The following is an entry in ClinVar:

NM_020911.2(PLXNA4):c.1139C>T (p.Thr380Met)

Gene: PLXNA4 (plexin A4; minus strand). Cytogenetic location: 7q32.3.
Variant type: single nucleotide variant.
Coding change: c.1139C>T on transcript NM_020911.2 (MANE Select); coding-DNA position 1139, C replaced by T.
Protein change: p.Thr380Met; replaces threonine 380 with methionine.
Molecular consequence: missense variant.
Genome position (GRCh38, 1-based): chr7:132,507,555, G>A on the plus strand (C>T on the coding strand, the complement: PLXNA4 is on the minus strand). VCF-style: chr7-132507555-G-A. GRCh37 (hg19) VCF-style: chr7-132192314-G-A.
Other names: c.1139C>T, p.Thr380Met (NM_001105543.2, NM_001393897.1, NM_181775.4); short protein forms T380M.
Identifiers: ClinVar variation 3934817 (VCV003934817.2).

ClinVar aggregate classification (germline): Uncertain significance. Review status: criteria provided, multiple submitters, no conflicts (2 of 4 stars). 2 submissions from 2 submitters: Uncertain significance (2). Last evaluated 2026-01-09.

Conditions:
PLXNA4-related disorder. Also called: PLXNA4-related condition.

gnomAD v4.1: 47 of 1,613,814 alleles (0.0029%); highest among the groups gnomAD compares: African/African-American, 0.004%; no homozygotes.

Submissions (2):

PreventionGenetics, part of Exact Sciences
Classification: Uncertain significance for PLXNA4-related condition. Last evaluated: 2026-01-09. Review status: criteria provided, single submitter. Criteria: ACMG Guidelines, 2015. Collection method: clinical testing. Allele origin: germline.
Comment: The PLXNA4 c.1139C>T variant is predicted to result in the amino acid substitution p.Thr380Met. To our knowledge, this variant has not been reported in the literature. This variant is reported in 0.0040% of alleles in individuals of African descent in gnomAD. At this time, the clinical significance of this variant is uncertain due to the absence of conclusive functional and genetic evidence.

Ambry Genetics
Classification: Uncertain significance. Last evaluated: 2025-05-05. Review status: criteria provided, single submitter. Criteria: Ambry Variant Classification Scheme 2023. Collection method: clinical testing. Allele origin: germline.